The following is an entry in ClinVar:

ClinVar aggregate classification (germline): Uncertain significance (1 of 4 stars; one submission).

Submission:

Labcorp Genetics (formerly Invitae), Labcorp
Classification: Uncertain significance. Last evaluated: 2022-08-16. Review status: criteria provided, single submitter. Criteria: Invitae Variant Classification Sherloc (09022015). Collection method: clinical testing. Allele origin: germline.
Comment: This variant, c.7331_7332insGGG, results in the insertion of 1 amino acid(s) of the CPLANE1 protein (p.Gly2444dup), but otherwise preserves the integrity of the reading frame. This variant is not present in population databases (gnomAD no frequency). This variant has not been reported in the literature in individuals affected with CPLANE1-related conditions. ClinVar contains an entry for this variant (Variation ID: 1417241). Experimental studies and prediction algorithms are not available or were not evaluated, and the functional significance of this variant is currently unknown. In summary, the available evidence is currently insufficient to determine the role of this variant in disease. Therefore, it has been classified as a Variant of Uncertain Significance.

NM_001384732.1(CPLANE1):c.7331_7332insGGG (p.Gly2444dup)

Gene: CPLANE1 (ciliogenesis and planar polarity effector complex subunit 1; minus strand). Cytogenetic location: 5p13.2.
Variant type: Insertion.
Coding change: c.7331_7332insGGG on transcript NM_001384732.1 (MANE Select); coding-DNA positions 7331 to 7332, GGG inserted.
Protein change: p.Gly2444dup; duplicates glycine 2444.
Molecular consequence: inframe insertion.
Genome position: GRCh38 VCF-style: chr5-37167115-T-TCCC. GRCh37 (hg19) VCF-style: chr5-37167217-T-TCCC.
Other names: c.7331_7332insGGG, p.Gly2444dup (NM_023073.4).
Identifiers: ClinVar variation 1417241 (VCV001417241.3), dbSNP rs1199561659, ClinGen allele CA810287349.
Genomic context (GRCh38, chr5:37,167,115, plus strand): 5'-ACTGTCCTTTCCTTGTCTTACTTCAGGTGGTTCTATTTTGACCTTTAGAAGTTGAAGGTG[T>TCCC]CCAGCATCACCTTGTTCAAATAAATTATGTGTTAGTTTCTGTTGGCTTTGTTTAAACGCA-3'